The following is an entry in ClinVar:

NM_001070.5(TUBG1):c.771C>T (p.Ile257=)

Gene: TUBG1 (tubulin gamma 1; plus strand). Cytogenetic location: 17q21.2.
Variant type: single nucleotide variant.
Coding change: c.771C>T on transcript NM_001070.5 (MANE Select); coding-DNA position 771, C replaced by T.
Protein change: p.Ile257=; no amino-acid change (isoleucine 257 retained).
Molecular consequence: synonymous variant.
Genome position (GRCh38, 1-based): chr17:42,613,926, C>T. VCF-style: chr17-42613926-C-T. GRCh37 (hg19) VCF-style: chr17-40765944-C-T.
Identifiers: ClinVar variation 515392 (VCV000515392.8), dbSNP rs776003469, ClinGen allele CA8579967.

ClinVar aggregate classification (germline): Likely benign. Review status: criteria provided, multiple submitters, no conflicts (2 of 4 stars). 3 submissions from 3 submitters: Likely benign (3). Last evaluated 2024-08-22.

Allele frequency attached by ClinVar (database versions not stated): TOPMed below 0.00001; ExAC 0.00001; gnomAD 0.00001; gnomAD exomes 0.00002 and 0.00003.

Submissions (3):

Blueprint Genetics
Classification: Likely benign. Last evaluated: 2024-08-22. Review status: criteria provided, single submitter. Criteria: ACMG Guidelines, 2015. Collection method: clinical testing. Allele origin: germline.

Labcorp Genetics (formerly Invitae), Labcorp
Classification: Likely benign. Last evaluated: 2024-02-17. Review status: criteria provided, single submitter. Criteria: Invitae Variant Classification Sherloc (09022015). Collection method: clinical testing. Allele origin: germline.

GeneDx
Classification: Likely benign. Last evaluated: 2018-02-02. Review status: criteria provided, single submitter. Criteria: GeneDx Variant Classification (06012015). Collection method: clinical testing. Allele origin: germline. Affected: yes.
Comment: This variant is considered likely benign or benign based on one or more of the following criteria: it is a conservative change, it occurs at a poorly conserved position in the protein, it is predicted to be benign by multiple in silico algorithms, and/or has population frequency not consistent with disease.